The following is an entry in ClinVar:

NM_001903.5(CTNNA1):c.1892T>C (p.Met631Thr)

Gene: CTNNA1 (catenin alpha 1; plus strand). Cytogenetic location: 5q31.2.
Variant type: single nucleotide variant.
Coding change: c.1892T>C on transcript NM_001903.5 (MANE Select); coding-DNA position 1892, T replaced by C.
Protein change: p.Met631Thr; replaces methionine 631 with threonine.
Molecular consequence: missense variant.
Genome position (GRCh38, 1-based): chr5:138,925,400, T>C. VCF-style: chr5-138925400-T-C. GRCh37 (hg19) VCF-style: chr5-138261089-T-C.
Other names: c.1892T>C, p.Met631Thr (NM_001290307.3, NM_001323982.2, NM_001323983.1 and 2 more transcripts); c.1583T>C, p.Met528Thr (NM_001290309.3); c.1523T>C, p.Met508Thr (NM_001290310.3); c.782T>C, p.Met261Thr (NM_001290312.1, NM_001323987.1, NM_001323988.1 and 17 more transcripts); c.1799T>C, p.Met600Thr (NM_001323986.2); c.443T>C, p.Met148Thr (NM_001324006.1, NM_001324007.1, NM_001324008.1 and 2 more transcripts); c.689T>C, p.Met230Thr (NM_001324011.1); c.539T>C, p.Met180Thr (NM_001324012.1, NM_001324013.1); short protein forms M230T, M261T, M508T, M600T, M528T, M148T, M631T, M180T.
Identifiers: ClinVar variation 4740687 (VCV004740687.1).

ClinVar aggregate classification (germline): Uncertain significance (1 of 4 stars; one submission).

Submission:

Labcorp Genetics (formerly Invitae), Labcorp
Classification: Uncertain significance. Last evaluated: 2026-01-15. Review status: criteria provided, single submitter. Criteria: Invitae Variant Classification Sherloc (09022015). Collection method: clinical testing. Allele origin: germline.
Comment: This sequence change replaces methionine, which is neutral and non-polar, with threonine, which is neutral and polar, at codon 631 of the CTNNA1 protein (p.Met631Thr). This variant is not present in population databases (gnomAD no frequency). This variant has not been reported in the literature in individuals affected with CTNNA1-related conditions. Invitae Evidence Modeling of protein sequence and biophysical properties (such as structural, functional, and spatial information, amino acid conservation, physicochemical variation, residue mobility, and thermodynamic stability) has been performed for this missense variant. However, the output from this modeling did not meet the statistical confidence thresholds required to predict the impact of this variant on CTNNA1 protein function. In summary, the available evidence is currently insufficient to determine the role of this variant in disease. Therefore, it has been classified as a Variant of Uncertain Significance.